The following is an entry in ClinVar:

NM_014283.5(SUCO):c.3266-9dup

Gene: SUCO (SUN domain containing ossification factor; plus strand). Cytogenetic location: 1q24.3.
Variant type: Duplication.
Coding change: c.3266-9dup on transcript NM_014283.5 (MANE Select); 9 bases into the intron before coding-DNA position 3266, one base duplicated (T; older notation c.3266-9dupT).
Molecular consequence: intron variant.
Genome position (GRCh38, 1-based): chr1:172,608,738, T duplicated; the last of 14 consecutive T bases (chr1:172,608,725-172,608,738); duplicating any one gives the same sequence. VCF-style (leftmost placement, unchanged base first): chr1-172608724-C-CT. GRCh37 (hg19) VCF-style: chr1-172577864-C-CT.
Other names: c.3719-9dup (NM_016227.4); c.1577-9dup (NM_001282751.2); c.2153-9dup (NM_001282750.2).
Identifiers: ClinVar variation 3043815 (VCV003043815.2), dbSNP rs372623434, ClinGen allele CA1247304.

ClinVar aggregate classification (germline): Benign (0 of 4 stars; one submission).

Conditions:
SUCO-related disorder. Also called: SUCO-related condition.

Submission:

PreventionGenetics, part of Exact Sciences
Classification: Benign for SUCO-related condition. Last evaluated: 2024-05-16. Review status: no assertion criteria provided. Collection method: clinical testing. Allele origin: germline.
Comment: This variant is classified as benign based on ACMG/AMP sequence variant interpretation guidelines (Richards et al. 2015 PMID: 25741868, with internal and published modifications).